The following is an entry in ClinVar:

ClinVar aggregate classification (germline): Uncertain significance (1 of 4 stars; one submission).

Conditions:
Primary ciliary dyskinesia 33. Also called: CILIARY DYSKINESIA, PRIMARY, 33, WITHOUT SITUS INVERSUS. Identifiers: Orphanet 244, MedGen C4225230, MONDO:0014750, OMIM 616726.

Allele frequency attached by ClinVar (database versions not stated): gnomAD exomes below 0.00001; ExAC 0.00001.
gnomAD v4.1: 3 of 1,613,590 alleles (0.00019%); highest among the groups gnomAD compares: Non-Finnish European, 0.000085%; no homozygotes.

Submission:

Labcorp Genetics (formerly Invitae), Labcorp
Classification: Uncertain significance for Primary ciliary dyskinesia 33. Last evaluated: 2020-02-18. Review status: criteria provided, single submitter. Criteria: Invitae Variant Classification Sherloc (09022015). Collection method: clinical testing. Allele origin: germline.
Comment: This variant has not been reported in the literature in individuals with GAS8-related disease. Algorithms developed to predict the effect of missense changes on protein structure and function are either unavailable or do not agree on the potential impact of this missense change (SIFT: "Deleterious"; PolyPhen-2: "Possibly Damaging"; Align-GVGD: "Class C0"). In summary, the available evidence is currently insufficient to determine the role of this variant in disease. Therefore, it has been classified as a Variant of Uncertain Significance. This variant is present in population databases (rs778306447, ExAC 0.01%). This sequence change replaces glutamine with arginine at codon 69 of the GAS8 protein (p.Gln69Arg). The glutamine residue is highly conserved and there is a small physicochemical difference between glutamine and arginine.

NM_001481.3(DRC4):c.206A>G (p.Gln69Arg)

Gene: DRC4 (dynein regulatory complex subunit 4; plus strand). Cytogenetic location: 16q24.3.
Variant type: single nucleotide variant.
Coding change: c.206A>G on transcript NM_001481.3 (MANE Select); coding-DNA position 206, A replaced by G.
Protein change: p.Gln69Arg; replaces glutamine 69 with arginine.
Molecular consequence: missense variant. On other transcripts: 5 prime UTR variant (2).
Genome position (GRCh38, 1-based): chr16:90,031,414, A>G. VCF-style: chr16-90031414-A-G. GRCh37 (hg19) VCF-style: chr16-90097822-A-G.
Other names: c.-44A>G (NM_001286205.2); c.-316A>G (NM_001286208.2); c.131A>G, p.Gln44Arg (NM_001286209.2); short protein forms Q44R, Q69R.
Identifiers: ClinVar variation 645217 (VCV000645217.8), dbSNP rs778306447, ClinGen allele CA8257711.